The following is an entry in ClinVar:

ClinVar aggregate classification (germline): Pathogenic/Likely pathogenic. Review status: criteria provided, multiple submitters, no conflicts (2 of 4 stars). 2 submissions from 2 submitters: Pathogenic (1); Likely pathogenic (1). Last evaluated 2025-07-14.

Conditions:
Joubert syndrome. Also called: CEREBELLOPARENCHYMAL DISORDER IV; JOUBERT-BOLTSHAUSER SYNDROME; Familial aplasia of the vermis. Identifiers: Orphanet 475, MedGen C5979921, MONDO:0018772.
Joubert syndrome 3 (JBTS3). Also called: AHI1-related Ciliopathy. Identifiers: Orphanet 220493, MedGen C1837713, MONDO:0012078, OMIM 608629.

Submissions (2):

Labcorp Genetics (formerly Invitae), Labcorp
Classification: Pathogenic for Joubert syndrome. Last evaluated: 2025-07-14. Review status: criteria provided, single submitter. Criteria: Invitae Variant Classification Sherloc (09022015). Collection method: clinical testing. Allele origin: germline.
Comment: This sequence change creates a premature translational stop signal (p.Cys614Leufs*3) in the AHI1 gene. It is expected to result in an absent or disrupted protein product. Loss-of-function variants in AHI1 are known to be pathogenic (PMID: 15322546, 16453322, 28442542, 29186038). This variant is present in population databases (no rsID available, gnomAD 0.1%). This premature translational stop signal has been observed in individual(s) with Joubert syndrome and related disorders (internal data). ClinVar contains an entry for this variant (Variation ID: 861243). For these reasons, this variant has been classified as Pathogenic.

Fulgent Genetics
Classification: Likely pathogenic for Joubert syndrome 3. Last evaluated: 2021-11-24. Review status: criteria provided, single submitter. Criteria: ACMG Guidelines, 2015. Collection method: clinical testing. Allele origin: unknown.

Literature cited by the submitters: PubMed 15322546 (cited by Labcorp Genetics (formerly Invitae), Labcorp); PubMed 16453322 (cited by Labcorp Genetics (formerly Invitae), Labcorp); PubMed 28442542 (cited by Labcorp Genetics (formerly Invitae), Labcorp); PubMed 29186038 (cited by Labcorp Genetics (formerly Invitae), Labcorp).

NM_001134831.2(AHI1):c.1840dup (p.Cys614fs)

Gene: AHI1 (Abelson helper integration site 1; minus strand). Cytogenetic location: 6q23.3.
Variant type: Duplication.
Coding change: c.1840dup on transcript NM_001134831.2 (MANE Select); coding-DNA position 1840, one base duplicated (T; older notation c.1840dupT).
Protein change: p.Cys614fs; shifts the reading frame from cysteine 614.
Molecular consequence: frameshift variant.
Genome position (GRCh38, 1-based): chr6:135,442,654, A duplicated on the plus strand (T on the coding strand, the reverse complement: AHI1 is on the minus strand); the first of 5 consecutive A bases (chr6:135,442,654-135,442,658); duplicating any one gives the same sequence. VCF-style (leftmost placement, unchanged base first): chr6-135442653-C-CA. GRCh37 (hg19) VCF-style: chr6-135763791-C-CA.
Other names: c.1840dup, p.Cys614fs (NM_001134830.2, NM_001134832.2, NM_001350503.2 and 2 more transcripts); short protein forms C614fs.
Identifiers: ClinVar variation 861243 (VCV000861243.11), dbSNP rs1163874095, ClinGen allele CA570560009.